The following is an entry in ClinVar:

ClinVar aggregate classification (germline): Uncertain significance (1 of 4 stars; one submission).

gnomAD v4.1: 1 of 1,550,848 alleles (0.000064%); highest among the groups gnomAD compares: Non-Finnish European, 0.000087%; no homozygotes.

Submission:

Labcorp Genetics (formerly Invitae), Labcorp
Classification: Uncertain significance. Last evaluated: 2025-04-17. Review status: criteria provided, single submitter. Criteria: Invitae Variant Classification Sherloc (09022015). Collection method: clinical testing. Allele origin: germline.
Comment: This sequence change affects the initiator methionine of the SLC51B mRNA. The next in-frame methionine is located at codon 24. This variant is not present in population databases (gnomAD no frequency). This variant has not been reported in the literature in individuals affected with SLC51B-related conditions. Experimental studies and prediction algorithms are not available or were not evaluated, and the functional significance of this variant is currently unknown. In summary, the available evidence is currently insufficient to determine the role of this variant in disease. Therefore, it has been classified as a Variant of Uncertain Significance.

NM_178859.4(SLC51B):c.1A>G (p.Met1Val)

Genes: SLC51B (SLC51 subunit beta; plus strand), RASL12 (RAS like family 12; minus strand). Cytogenetic location: 15q22.31.
Variant type: single nucleotide variant.
Coding change: c.1A>G on transcript NM_178859.4 (MANE Select); coding-DNA position 1, A replaced by G.
Protein change: p.Met1Val; changes the start codon (methionine 1).
Molecular consequence: missense variant, initiator codon variant.
Genome position (GRCh38, 1-based): chr15:65,050,005, A>G. VCF-style: chr15-65050005-A-G. GRCh37 (hg19) VCF-style: chr15-65342343-A-G.
Other names: short protein forms M1V.
Identifiers: ClinVar variation 4772531 (VCV004772531.1).
Genomic context (GRCh38, chr15:65,050,005, plus strand): 5'-AGGGCTGCTGGGGCTAAGGGGTCTAAGGACCTCGTTGCACACGCTACCAGGAGCAGGGGC[A>G]TGGAGCACAGTGAGGGGGCTCCCGGAGACCCAGCCGGTACTGTGGTACCCCAGGAGCTGC-3'
Protein context (NP_849190.2, residues 1-11): [Met1Val]EHSEGAPGDP